The following is an entry in ClinVar:

NM_001127511.3(APC):c.166-28547A>G

Gene: APC (APC regulator of Wnt signaling pathway; plus strand). Cytogenetic location: 5q22.2.
Variant type: single nucleotide variant.
Coding change: c.166-28547A>G on transcript NM_001127511.3; 28547 bases into the intron before coding-DNA position 166, A replaced by G.
Molecular consequence: intron variant.
Genome position (GRCh38, 1-based): chr5:112,737,779, A>G. VCF-style: chr5-112737779-A-G. GRCh37 (hg19) VCF-style: chr5-112073476-A-G.
Other names: c.-1053-17094A>G (NM_001407470.1, NM_001407472.1); c.-18-17094A>G (NM_001407447.1, NM_001354895.2, NM_001407456.1 and 7 more transcripts); c.166-28547A>G (NM_001407446.1, NM_001354897.2, NM_001354902.2); c.-42-28547A>G (NM_001407453.1).
Identifiers: ClinVar variation 3051114 (VCV003051114.2), dbSNP rs946856488, ClinGen allele CA124951778.

ClinVar aggregate classification (germline): Likely benign (0 of 4 stars; one submission).

Conditions:
APC-related disorder. Also called: APC-related condition.

Allele frequency attached by ClinVar (database versions not stated): TOPMed 0.00001; gnomAD exomes below 0.00001; gnomAD 0.00003.
gnomAD v4.1: 6 of 933,656 alleles (0.00064%); highest among the groups gnomAD compares: Admixed American, 0.0062%; no homozygotes.

Submission:

PreventionGenetics, part of Exact Sciences
Classification: Likely benign for APC-related condition. Last evaluated: 2023-04-28. Review status: no assertion criteria provided. Collection method: clinical testing. Allele origin: germline.
Comment: This variant is classified as likely benign based on ACMG/AMP sequence variant interpretation guidelines (Richards et al. 2015 PMID: 25741868, with internal and published modifications).